The following is an entry in ClinVar:

NM_001039705.3(TRO):c.2526T>C (p.Ser842=)

Gene: TRO (trophinin; plus strand). Cytogenetic location: Xp11.21.
Variant type: single nucleotide variant.
Coding change: c.2526T>C on transcript NM_001039705.3 (MANE Select); coding-DNA position 2526, T replaced by C.
Protein change: p.Ser842=; no amino-acid change (serine 842 retained).
Molecular consequence: synonymous variant. On other transcripts: intron variant (3).
Genome position (GRCh38, 1-based): chrX:54,929,250, T>C. VCF-style: chrX-54929250-T-C. GRCh37 (hg19) VCF-style: chrX-54955683-T-C.
Other names: c.1119T>C, p.Ser373= (NM_001271183.2); c.1335T>C, p.Ser445= (NM_001271184.2); c.1986+540T>C (NM_016157.4, NM_177556.3); c.795+540T>C (NM_177557.3).
Identifiers: ClinVar variation 2660680 (VCV002660680.24), dbSNP rs2519396649, ClinGen allele CA516693403.

ClinVar aggregate classification (germline): Likely benign (1 of 4 stars; one submission).

gnomAD v4.1: 2 of 1,211,775 alleles (0.00017%); no homozygotes.

Submission:

CeGaT Center for Human Genetics Tuebingen
Classification: Likely benign. Last evaluated: 2022-09-01. Review status: criteria provided, single submitter. Criteria: CeGaT Center For Human Genetics Tuebingen Variant Classification Criteria Version 2. Collection method: clinical testing. Allele origin: germline. Affected: yes. Observed: 1 variant allele.
Comment: TRO: PM2:Supporting, BP4, BP7